The following is an entry in ClinVar:

ClinVar aggregate classification (germline): Pathogenic. Review status: criteria provided, multiple submitters, no conflicts (2 of 4 stars). 3 submissions from 3 submitters: Pathogenic (3). Last evaluated 2025-09-17.

Conditions:
Polycystic kidney disease 4 (PKD4). Also called: POLYCYSTIC KIDNEY AND HEPATIC DISEASE 1; POLYCYSTIC KIDNEY DISEASE, INFANTILE, TYPE I; PKD3; Autosomal Recessive Polycystic Kidney Disease – PKHD1; POLYCYSTIC KIDNEY DISEASE 4 WITH OR WITHOUT POLYCYSTIC LIVER DISEASE. Identifiers: MedGen C4540575, MONDO:0033004, OMIM 263200.
Autosomal recessive polycystic kidney disease (ARPKD). Also called: AR polycystic kidney disease. Identifiers: Orphanet 731, Orphanet 8378, MedGen C0085548, MeSH D017044, MONDO:0009889.

Submissions (3):

GeneDx
Classification: Pathogenic. Last evaluated: 2025-09-17. Review status: criteria provided, single submitter. Criteria: GeneDx Variant Classification Process June 2021. Collection method: clinical testing. Allele origin: germline. Affected: yes.
Comment: Canonical splice site variant predicted to result in a null allele in a gene for which loss of function is a known mechanism of disease; Not observed at significant frequency in large population cohorts (gnomAD); This variant is associated with the following publications: (PMID: 34906515)

Natera, Inc.
Classification: Pathogenic for Autosomal recessive polycystic kidney disease. Last evaluated: 2025-05-02. Review status: criteria provided, single submitter. Criteria: Natera Variant Classification Schema (03/2026). Collection method: clinical testing. Allele origin: germline.
Comment: The c.5601-1G>A variant in PKHD1 is a canonical splice acceptor site variant predicted to affect pre-mRNA splicing, which may result in an abnormal transcript and altered protein product. This variant is expected to result in nonsense mediated decay, truncation, or a dysfunctional protein product. This variant is rare in the general population with a frequency below the threshold expected for the associated phenotype(s). This variant has been observed in one or more individuals affected with the associated recessive disease, as either homozygous or compound heterozygous with a second variant (PMID: 34906515). Given the available evidence, this variant is classified as Pathogenic.

Dubai Health Genomic Medicine Center, Dubai Health
Classification: Pathogenic for Polycystic kidney disease 4. Last evaluated: 2024-10-04. Review status: criteria provided, single submitter. Criteria: ACMG Guidelines, 2015. Collection method: research. Allele origin: germline. Affected: yes.
Comment: PVS1,PM2,PP4

Literature cited by the submitters: PubMed 34906515 (cited by Natera, Inc.).

NM_138694.4(PKHD1):c.5601-1G>A

Gene: PKHD1 (PKHD1 ciliary IPT domain containing fibrocystin/polyductin; minus strand). Cytogenetic location: 6p12.2.
Variant type: single nucleotide variant.
Coding change: c.5601-1G>A on transcript NM_138694.4 (MANE Select); the canonical splice acceptor site of the intron before coding-DNA position 5601, G replaced by A.
Molecular consequence: splice acceptor variant.
Genome position (GRCh38, 1-based): chr6:52,010,460, C>T on the plus strand (G>A on the coding strand, the complement: PKHD1 is on the minus strand). VCF-style: chr6-52010460-C-T. GRCh37 (hg19) VCF-style: chr6-51875258-C-T.
Other names: c.5601-1G>A (NM_170724.3, NM_138694.3).
Identifiers: ClinVar variation 3384104 (VCV003384104.3).
Genomic context (GRCh38, chr6:52,010,460, plus strand): 5'-TCCATGGTAATGTTACAGGAGCTATTATAGATGAGAACTTCATCTCTTTCCAATTTAGGG[C>T]TGAAACGAGAGGGGAGGTTAAATGGGGTGTCATCAATCTTAATGAAATGCAATTATTTTT-3'